The following is an entry in ClinVar:

NM_000238.4(KCNH2):c.132C>G (p.Cys44Trp)

Gene: KCNH2 (potassium voltage-gated channel subfamily H member 2; minus strand). Cytogenetic location: 7q36.1.
Variant type: single nucleotide variant.
Coding change: c.132C>G on transcript NM_000238.4 (MANE Select); coding-DNA position 132, C replaced by G.
Protein change: p.Cys44Trp; replaces cysteine 44 with tryptophan.
Molecular consequence: missense variant.
Genome position (GRCh38, 1-based): chr7:150,974,886, G>C on the plus strand (C>G on the coding strand, the complement: KCNH2 is on the minus strand). VCF-style: chr7-150974886-G-C. GRCh37 (hg19) VCF-style: chr7-150671974-G-C.
Other names: c.132C>G (LRG_288t1); c.-46C>G (NM_001406755.1); c.132C>G, p.Cys44Trp (NM_172056.3); short protein forms C44W.
Identifiers: ClinVar variation 67187 (VCV000067187.3), dbSNP rs199472838, ClinGen allele CA004471.

ClinVar aggregate classification (germline): not provided (0 of 4 stars; one submission).

Conditions:
Familial long QT syndrome (RWS). Also called: Congenital long QT syndrome; Romano-Ward syndrome; VENTRICULAR FIBRILLATION WITH PROLONGED QT INTERVAL. Identifiers: Orphanet 768, MedGen C1141890, MONDO:0019171.

Submission:

Cardiovascular Biomedical Research Unit, Royal Brompton & Harefield NHS Foundation Trust
No classification provided. Condition: Familial long QT syndrome. Review status: no classification provided. Collection method: literature only. Allele origin: germline.
Comment: This variant has been reported as associated with Long QT syndrome in the following publications (PMID:20541041). This is a literature report, and does not necessarily reflect the clinical interpretation of the Imperial College / Royal Brompton Cardiovascular Genetics laboratory.

Literature cited by the submitters: PubMed 20541041; PubMed 22581653.